The following is an entry in ClinVar:

NM_139276.3(STAT3):c.1909G>T (p.Val637Leu)

Gene: STAT3 (signal transducer and activator of transcription 3; minus strand). Cytogenetic location: 17q21.2.
Variant type: single nucleotide variant.
Coding change: c.1909G>T on transcript NM_139276.3 (MANE Select); coding-DNA position 1909, G replaced by T.
Protein change: p.Val637Leu; replaces valine 637 with leucine.
Molecular consequence: missense variant.
Genome position (GRCh38, 1-based): chr17:42,322,474, C>A on the plus strand (G>T on the coding strand, the complement: STAT3 is on the minus strand). VCF-style: chr17-42322474-C-A. GRCh37 (hg19) VCF-style: chr17-40474492-C-A.
Other names: c.1909G>T, p.Val637Leu (NM_001369514.1, NM_001369516.1, NM_001369517.1 and 9 more transcripts); c.1825G>T, p.Val609Leu (NM_001384984.1); c.1831G>T, p.Val611Leu (NM_001384985.1); c.1924G>T, p.Val642Leu (NM_001384986.1, NM_001384990.1); c.1888G>T, p.Val630Leu (NM_001384987.1); c.1813G>T, p.Val605Leu (NM_001384989.1); c.1882G>T, p.Val628Leu (NM_001384991.1); c.1849G>T, p.Val617Leu (NM_001384992.1); short protein forms V605L, V637L, V611L, V617L, V628L, V609L, V630L, V642L.
Identifiers: ClinVar variation 2138014 (VCV002138014.4), dbSNP rs113994139, ClinGen allele CA399582495.

ClinVar aggregate classification (germline): Likely pathogenic (1 of 4 stars; one submission).

Conditions:
Hyper-IgE recurrent infection syndrome 1, autosomal dominant. Also called: STAT3 Hyper IgE Syndrome; Hyper-IgE recurrent infection syndrome 1; Job's Syndrome; HYPER-IgE SYNDROME 1, AUTOSOMAL DOMINANT, WITH RECURRENT INFECTIONS; JOB SYNDROME. Identifiers: Orphanet 2314, MedGen C2936739, MONDO:0007818, OMIM 147060.
STAT3 gain of function. Identifiers: MedGen C4288261.

Submission:

Labcorp Genetics (formerly Invitae), Labcorp
Classification: Likely pathogenic for STAT3 gain of function; Hyper-IgE recurrent infection syndrome 1, autosomal dominant. Last evaluated: 2023-11-28. Review status: criteria provided, single submitter. Criteria: Invitae Variant Classification Sherloc (09022015). Collection method: clinical testing. Allele origin: germline.
Comment: This sequence change replaces valine, which is neutral and non-polar, with leucine, which is neutral and non-polar, at codon 637 of the STAT3 protein (p.Val637Leu). This variant is not present in population databases (gnomAD no frequency). This missense change has been observed in individuals with hyper-IgE syndrome (PMID: 17881745; Invitae). ClinVar contains an entry for this variant (Variation ID: 2138014). Advanced modeling of protein sequence and biophysical properties (such as structural, functional, and spatial information, amino acid conservation, physicochemical variation, residue mobility, and thermodynamic stability) performed at Invitae indicates that this missense variant is not expected to disrupt STAT3 protein function with a negative predictive value of 80%. This variant disrupts the p.Val637 amino acid residue in STAT3. Other variant(s) that disrupt this residue have been determined to be pathogenic (PMID: 17881745, 21792878, 26384563, 27799162). This suggests that this residue is clinically significant, and that variants that disrupt this residue are likely to be disease-causing. In summary, the currently available evidence indicates that the variant is pathogenic, but additional data are needed to prove that conclusively. Therefore, this variant has been classified as Likely Pathogenic.

Literature cited by the submitters: PubMed 17881745; PubMed 21792878; PubMed 26384563; PubMed 27799162.